The following is an entry in ClinVar:

ClinVar aggregate classification (germline): Uncertain significance. Review status: criteria provided, multiple submitters, no conflicts (2 of 4 stars). 3 submissions from 3 submitters: Uncertain significance (3). Last evaluated 2025-08-16.

Conditions:
NFKB2-related disorder. Also called: NFKB2-related condition.
Inborn genetic diseases. Identifiers: MedGen C0950123, MeSH D030342.
Immunodeficiency, common variable, 10. Also called: IMMUNODEFICIENCY, COMMON VARIABLE, WITH CENTRAL ADRENAL INSUFFICIENCY; DEFICIT IN ANTERIOR PITUITARY FUNCTION AND VARIABLE IMMUNODEFICIENCY. Identifiers: MedGen C3809991, MONDO:0014260, OMIM 615577.

Allele frequency attached by ClinVar (database versions not stated): gnomAD exomes 0.00004 and 0.00002; ExAC 0.00006; TOPMed 0.00001.
gnomAD v4.1: 55 of 1,554,156 alleles (0.0035%); highest among the groups gnomAD compares: Middle Eastern, 0.052%; no homozygotes.

Submissions (3):

Labcorp Genetics (formerly Invitae), Labcorp
Classification: Uncertain significance for Immunodeficiency, common variable, 10. Last evaluated: 2025-08-16. Review status: criteria provided, single submitter. Criteria: Invitae Variant Classification Sherloc (09022015). Collection method: clinical testing. Allele origin: germline.
Comment: This sequence change replaces proline, which is neutral and non-polar, with serine, which is neutral and polar, at codon 897 of the NFKB2 protein (p.Pro897Ser). This variant is present in population databases (rs770818840, gnomAD 0.009%). This variant has not been reported in the literature in individuals affected with NFKB2-related conditions. ClinVar contains an entry for this variant (Variation ID: 1449627). An algorithm developed to predict the effect of missense changes on protein structure and function (PolyPhen-2) suggests that this variant is likely to be tolerated. In summary, the available evidence is currently insufficient to determine the role of this variant in disease. Therefore, it has been classified as a Variant of Uncertain Significance.

PreventionGenetics, part of Exact Sciences
Classification: Uncertain significance for NFKB2-related condition. Last evaluated: 2025-07-29. Review status: criteria provided, single submitter. Criteria: ACMG Guidelines, 2015. Collection method: clinical testing. Allele origin: germline.
Comment: The NFKB2 c.2689C>T variant is predicted to result in the amino acid substitution p.Pro897Ser. To our knowledge, this variant has not been reported in the literature. This variant is reported in 0.0084% of alleles in individuals of African descent in gnomAD. At this time, the clinical significance of this variant is uncertain due to the absence of conclusive functional and genetic evidence.

Ambry Genetics
Classification: Uncertain significance for Inborn genetic diseases. Last evaluated: 2025-02-13. Review status: criteria provided, single submitter. Criteria: Ambry Variant Classification Scheme 2023. Collection method: clinical testing. Allele origin: germline.

NM_001322934.2(NFKB2):c.2689C>T (p.Pro897Ser)

Gene: NFKB2 (nuclear factor kappa B subunit 2; plus strand). Cytogenetic location: 10q24.32.
Variant type: single nucleotide variant.
Coding change: c.2689C>T on transcript NM_001322934.2 (MANE Select); coding-DNA position 2689, C replaced by T.
Protein change: p.Pro897Ser; replaces proline 897 with serine.
Molecular consequence: missense variant.
Genome position (GRCh38, 1-based): chr10:102,402,362, C>T. VCF-style: chr10-102402362-C-T. GRCh37 (hg19) VCF-style: chr10-104162119-C-T.
Other names: c.2689C>T, p.Pro897Ser (NM_001077494.3); c.2686C>T, p.Pro896Ser (NM_001261403.3, NM_001288724.1, NM_002502.6); c.2563C>T, p.Pro855Ser (NM_001322935.1); c.2689C>T (NM_001077494.1); short protein forms P896S, P897S, P855S.
Identifiers: ClinVar variation 1449627 (VCV001449627.11), dbSNP rs770818840, ClinGen allele CA5665140.